The following is an entry in ClinVar:

ClinVar aggregate classification (germline): Uncertain significance (1 of 4 stars; one submission).

Submission:

Labcorp Genetics (formerly Invitae), Labcorp
Classification: Uncertain significance. Last evaluated: 2022-05-16. Review status: criteria provided, single submitter. Criteria: Invitae Variant Classification Sherloc (09022015). Collection method: clinical testing. Allele origin: germline.
Comment: This variant has not been reported in the literature in individuals affected with HMCN1-related conditions. This variant is not present in population databases (gnomAD no frequency). This sequence change replaces glycine, which is neutral and non-polar, with glutamic acid, which is acidic and polar, at codon 677 of the HMCN1 protein (p.Gly677Glu). Algorithms developed to predict the effect of missense changes on protein structure and function are either unavailable or do not agree on the potential impact of this missense change (SIFT: "Deleterious"; PolyPhen-2: "Probably Damaging"; Align-GVGD: "Class C0"). In summary, the available evidence is currently insufficient to determine the role of this variant in disease. Therefore, it has been classified as a Variant of Uncertain Significance.

NM_031935.3(HMCN1):c.2030G>A (p.Gly677Glu)

Gene: HMCN1 (hemicentin 1; plus strand). Cytogenetic location: 1q31.1.
Variant type: single nucleotide variant.
Coding change: c.2030G>A on transcript NM_031935.3 (MANE Select); coding-DNA position 2030, G replaced by A.
Protein change: p.Gly677Glu; replaces glycine 677 with glutamic acid.
Molecular consequence: missense variant.
Genome position (GRCh38, 1-based): chr1:185,963,827, G>A. VCF-style: chr1-185963827-G-A. GRCh37 (hg19) VCF-style: chr1-185932959-G-A.
Other names: short protein forms G677E.
Identifiers: ClinVar variation 1956328 (VCV001956328.5), dbSNP rs1418305451, ClinGen allele CA343875968.
Genomic context (GRCh38, chr1:185,963,827, plus strand): 5'-GGTATAGGATGACCTCAGATGGTACCTTATTTATCAAAAATGCAGCTCCCAAAGATGCAG[G>A]GATCTATGGTTGCCTAGCAAGTAATTCAGCTGGAACAGATAAACAGAATTCTACTCTCAG-3'
Protein context (NP_114141.2, residues 667-687): FIKNAAPKDA[Gly677Glu]IYGCLASNSA